The following is an entry in ClinVar:

NM_001349338.3(FOXP1):c.1141C>T (p.Gln381Ter)

Gene: FOXP1 (forkhead box P1; minus strand). Cytogenetic location: 3p13.
Variant type: single nucleotide variant.
Coding change: c.1141C>T on transcript NM_001349338.3 (MANE Select); coding-DNA position 1141, C replaced by T.
Protein change: p.Gln381Ter; replaces glutamine 381 with a stop codon.
Molecular consequence: nonsense. On other transcripts: non-coding transcript variant (2).
Genome position (GRCh38, 1-based): chr3:70,987,999, G>A on the plus strand (C>T on the coding strand, the complement: FOXP1 is on the minus strand). VCF-style: chr3-70987999-G-A. GRCh37 (hg19) VCF-style: chr3-71037150-G-A.
Other names: c.1141C>T, p.Gln381Ter (NM_001244816.2, NM_001349340.3, NM_032682.6 and 3 more transcripts); c.838C>T, p.Gln280Ter (NM_001349337.2, NM_001349343.3, NM_001349344.3); c.1138C>T, p.Gln380Ter (NM_001349341.3); c.841C>T, p.Gln281Ter (NM_001349342.3, NM_001370548.1, NM_001244813.3 and 1 more transcripts); c.913C>T, p.Gln305Ter (NM_001244812.3); short protein forms Q280*, Q281*, Q305*, Q380*, Q381*.
Identifiers: ClinVar variation 4538595 (VCV004538595.1).
Genomic context (GRCh38, chr3:70,987,999, plus strand): 5'-GAAAAGGAATACTGTGAGTTTTGTTTTTTTCCCCTTGGTGGGGATCAATACTTACGGGCT[G>A]AGGGGCGGCTTTGGGTTCTGTAGACTTCACATGCAGGTGGGTCATCATGGCTTGCAGGCG-3'

ClinVar aggregate classification (germline): Pathogenic (1 of 4 stars; one submission).

Submission:

GeneDx
Classification: Pathogenic. Last evaluated: 2025-06-16. Review status: criteria provided, single submitter. Criteria: GeneDx Variant Classification Process June 2021. Collection method: clinical testing. Allele origin: germline. Affected: yes.
Comment: Nonsense variant predicted to result in protein truncation or nonsense mediated decay in a gene for which loss of function is a known mechanism of disease; Not observed at significant frequency in large population cohorts (gnomAD); This variant is associated with the following publications: (PMID: 33057194, 35982159, 33258288, 34109629)